The following is an entry in ClinVar:

ClinVar aggregate classification (germline): Uncertain significance (1 of 4 stars; one submission).

Allele frequency attached by ClinVar (database versions not stated): gnomAD 0.00001; gnomAD exomes 0.00001; TOPMed 0.00003.

Submission:

Labcorp Genetics (formerly Invitae), Labcorp
Classification: Uncertain significance. Last evaluated: 2023-06-24. Review status: criteria provided, single submitter. Criteria: Invitae Variant Classification Sherloc (09022015). Collection method: clinical testing. Allele origin: germline.
Comment: In summary, the available evidence is currently insufficient to determine the role of this variant in disease. Therefore, it has been classified as a Variant of Uncertain Significance. An algorithm developed to predict the effect of missense changes on protein structure and function (PolyPhen-2) suggests that this variant is likely to be disruptive. This variant has not been reported in the literature in individuals affected with DHX32-related conditions. This variant is present in population databases (no rsID available, gnomAD 0.007%). This sequence change replaces glutamic acid, which is acidic and polar, with lysine, which is basic and polar, at codon 149 of the DHX32 protein (p.Glu149Lys).

NM_018180.3(DHX32):c.445G>A (p.Glu149Lys)

Gene: DHX32 (DEAH-box helicase 32 (putative); minus strand). Cytogenetic location: 10q26.2.
Variant type: single nucleotide variant.
Coding change: c.445G>A on transcript NM_018180.3 (MANE Select); coding-DNA position 445, G replaced by A.
Protein change: p.Glu149Lys; replaces glutamic acid 149 with lysine.
Molecular consequence: missense variant.
Genome position (GRCh38, 1-based): chr10:125,867,021, C>T on the plus strand (G>A on the coding strand, the complement: DHX32 is on the minus strand). VCF-style: chr10-125867021-C-T. GRCh37 (hg19) VCF-style: chr10-127555590-C-T.
Other names: short protein forms E149K.
Identifiers: ClinVar variation 2874896 (VCV002874896.3), dbSNP rs938384943, ClinGen allele CA215356724.